The following is an entry in ClinVar:

NM_001395413.1(POR):c.822-35C>T

Genes: POR (cytochrome p450 oxidoreductase; plus strand), LOC126860075 (CDK7 strongly-dependent group 2 enhancer GRCh37_chr7:75612087-75613286; plus strand). Cytogenetic location: 7q11.23.
Variant type: single nucleotide variant.
Coding change: c.822-35C>T on transcript NM_001395413.1 (MANE Select); 35 bases into the intron before coding-DNA position 822, C replaced by T.
Molecular consequence: intron variant.
Genome position (GRCh38, 1-based): chr7:75,983,485, C>T. VCF-style: chr7-75983485-C-T. GRCh37 (hg19) VCF-style: chr7-75612803-C-T.
Other names: c.822-35C>T (NM_001382662.3, NM_001382659.3, NM_001367562.3 and 2 more transcripts); c.876-35C>T (NM_001382655.3).
Identifiers: ClinVar variation 978019 (VCV000978019.6), dbSNP rs41301394, ClinGen allele CA4303860.

ClinVar aggregate classification (germline): Benign/Likely benign. Review status: criteria provided, multiple submitters, no conflicts (2 of 4 stars). 3 submissions from 3 submitters: Benign (1); Likely benign (2). Last evaluated 2015-03-03.

Conditions:
21-Hydroxylase-Deficient Congenital Adrenal Hyperplasia. Also called: ADRENAL HYPERPLASIA, CONGENITAL, DUE TO 21-HYDROXYLASE DEFICIENCY; ADRENAL HYPERPLASIA III. Identifiers: MedGen C2936858, OMIM 201910.

Allele frequency attached by ClinVar (database versions not stated): gnomAD exomes 0.30188 and 0.29107; ESP Exome Variant Server 0.24243; TOPMed 0.24618; gnomAD 0.25679 and 0.26231; 1000 Genomes Project 30x 0.27077; 1000 Genomes Project 0.27496; ExAC 0.30132.
gnomAD v4.1: 426,712 of 1,482,570 alleles (29%); highest among the groups gnomAD compares: East Asian, 40%; 64,592 homozygotes.

Submissions (3):

GeneDx
Classification: Benign. Last evaluated: 2015-03-03. Review status: criteria provided, single submitter. Criteria: GeneDx Variant Classification Process June 2021. Collection method: clinical testing. Allele origin: germline. Affected: yes.

Breakthrough Genomics
Classification: Likely benign. Review status: criteria provided, single submitter. Criteria: ACMG Guidelines, 2015. Collection method: not provided. Allele origin: germline. Inheritance: Autosomal recessive inheritance. Affected: yes.

Pecori Giraldi Lab, University of Milan
Classification: Likely benign for 21-Hydroxylase-Deficient Congenital Adrenal Hyperplasia. Review status: criteria provided, single submitter. Criteria: ACMG Guidelines, 2015. Collection method: case-control. Allele origin: germline. Affected: yes and no.
Comment: This variant is intronic

Literature cited by the submitters: PubMed 33666875 (cited by Pecori Giraldi Lab, University of Milan); PubMed 27068427 (cited by Pecori Giraldi Lab, University of Milan); PubMed 21070833 (cited by Pecori Giraldi Lab, University of Milan); PubMed 24847272 (cited by Pecori Giraldi Lab, University of Milan).